The following is an entry in ClinVar:

NM_014975.3(MAST1):c.587A>G (p.Lys196Arg)

Genes: MAST1 (microtubule associated serine/threonine kinase 1; plus strand), LOC117125587 (CRISPRi-FlowFISH-validated KLF1 and PRDX2 regulatory element; plus strand). Cytogenetic location: 19p13.13.
Variant type: single nucleotide variant.
Coding change: c.587A>G on transcript NM_014975.3 (MANE Select); coding-DNA position 587, A replaced by G.
Protein change: p.Lys196Arg; replaces lysine 196 with arginine.
Molecular consequence: missense variant.
Genome position (GRCh38, 1-based): chr19:12,847,870, A>G. VCF-style: chr19-12847870-A-G. GRCh37 (hg19) VCF-style: chr19-12958684-A-G.
Other names: short protein forms K196R.
Identifiers: ClinVar variation 2649347 (VCV002649347.24), dbSNP rs2512524172, ClinGen allele CA404260992.

ClinVar aggregate classification (germline): Uncertain significance (1 of 4 stars; one submission).

Allele frequency attached by ClinVar (database versions not stated): gnomAD exomes below 0.00001.
gnomAD v4.1: 1 of 1,611,972 alleles (0.000062%); highest among the groups gnomAD compares: Non-Finnish European, 0.000085%; no homozygotes.

Submission:

CeGaT Center for Human Genetics Tuebingen
Classification: Uncertain significance. Last evaluated: 2022-07-01. Review status: criteria provided, single submitter. Criteria: CeGaT Center For Human Genetics Tuebingen Variant Classification Criteria Version 2. Collection method: clinical testing. Allele origin: germline. Affected: yes. Observed: 1 variant allele.
Comment: MAST1: PM2, PP2